The following is an entry in ClinVar:

NM_000256.3(MYBPC3):c.1538TCA[1] (p.Ile514del)

Gene: MYBPC3 (myosin binding protein C3; minus strand). Cytogenetic location: 11p11.2.
Variant type: Microsatellite.
Coding change: c.1538TCA[1] on transcript NM_000256.3 (MANE Select); one copy of the 3-base unit TCA starting at c.1538; the reference has two copies in a row; one copy, 3 bases deleted.
Protein change: p.Ile514del; deletes isoleucine 514.
Molecular consequence: inframe deletion.
Genome position (GRCh38, 1-based): chr11:47,342,659-47,342,661, TGA deleted on the plus strand (TCA on the coding strand, the reverse complement: MYBPC3 is on the minus strand); deleting any 3 consecutive bases within chr11:47,342,659-47,342,665 gives the same sequence; the position shown is the placement nearest the transcript's 3' end. VCF-style (leftmost placement, unchanged base first): chr11-47342658-TTGA-T. GRCh37 (hg19) VCF-style: chr11-47364209-TTGA-T.
Other names: short protein forms I514del.
Identifiers: ClinVar variation 1512852 (VCV001512852.8), dbSNP rs2142861022, ClinGen allele CA2580615690.

ClinVar aggregate classification (germline): Uncertain significance (1 of 4 stars; one submission).

Conditions:
Hypertrophic cardiomyopathy. Also called: HYPERTROPHIC MYOCARDIOPATHY. Identifiers: Orphanet 217569, MedGen C0007194, MeSH D002312, MONDO:0005045, HP:0001639.

Submission:

Labcorp Genetics (formerly Invitae), Labcorp
Classification: Uncertain significance for Hypertrophic cardiomyopathy. Last evaluated: 2024-09-24. Review status: criteria provided, single submitter. Criteria: Invitae Variant Classification Sherloc (09022015). Collection method: clinical testing. Allele origin: germline.
Comment: This variant, c.1541_1543del, results in the deletion of 1 amino acid(s) of the MYBPC3 protein (p.Ile514del), but otherwise preserves the integrity of the reading frame. This variant is not present in population databases (gnomAD no frequency). This variant has not been reported in the literature in individuals affected with MYBPC3-related conditions. Experimental studies and prediction algorithms are not available or were not evaluated, and the functional significance of this variant is currently unknown. In summary, the available evidence is currently insufficient to determine the role of this variant in disease. Therefore, it has been classified as a Variant of Uncertain Significance.